The following is an entry in ClinVar:

NM_005428.4(VAV1):c.1844C>T (p.Pro615Leu)

Gene: VAV1 (vav guanine nucleotide exchange factor 1; plus strand). Cytogenetic location: 19p13.3.
Variant type: single nucleotide variant.
Coding change: c.1844C>T on transcript NM_005428.4 (MANE Select); coding-DNA position 1844, C replaced by T.
Protein change: p.Pro615Leu; replaces proline 615 with leucine.
Molecular consequence: missense variant.
Genome position (GRCh38, 1-based): chr19:6,836,498, C>T. VCF-style: chr19-6836498-C-T. GRCh37 (hg19) VCF-style: chr19-6836509-C-T.
Other names: c.1844C>T, p.Pro615Leu (NM_001258206.2); c.1748C>T, p.Pro583Leu (NM_001258207.2); short protein forms P615L, P583L.
Identifiers: ClinVar variation 1390187 (VCV001390187.8), dbSNP rs758497118, ClinGen allele CA9132758.
Genomic context (GRCh38, chr19:6,836,498, plus strand): 5'-CCAAGATGGAGGTGTTTCAGGAATACTACGGGCTTCCTCCACCCCCTGGAGCCATTGGAC[C>T]CTTTCTACGGCTCAACCCTGGAGACATTGTGGAGCTCACGAAGGCTGAGGCTGAACAGAA-3'
Protein context (NP_005419.2, residues 605-625): GLPPPPGAIG[Pro615Leu]FLRLNPGDIV

ClinVar aggregate classification (germline): Uncertain significance (1 of 4 stars; one submission).

Allele frequency attached by ClinVar (database versions not stated): gnomAD 0.00001 and 0.00003; gnomAD exomes 0.00001 and 0.00003; TOPMed 0.00001; ExAC 0.00004.
gnomAD v4.1: 19 of 1,613,922 alleles (0.0012%); highest among the groups gnomAD compares: East Asian, 0.016%; no homozygotes.

Submission:

Labcorp Genetics (formerly Invitae), Labcorp
Classification: Uncertain significance. Last evaluated: 2024-01-08. Review status: criteria provided, single submitter. Criteria: Invitae Variant Classification Sherloc (09022015). Collection method: clinical testing. Allele origin: germline.
Comment: This sequence change replaces proline, which is neutral and non-polar, with leucine, which is neutral and non-polar, at codon 615 of the VAV1 protein (p.Pro615Leu). This variant is present in population databases (rs758497118, gnomAD 0.03%). This variant has not been reported in the literature in individuals affected with VAV1-related conditions. ClinVar contains an entry for this variant (Variation ID: 1390187). An algorithm developed to predict the effect of missense changes on protein structure and function (PolyPhen-2) suggests that this variant is likely to be tolerated. In summary, the available evidence is currently insufficient to determine the role of this variant in disease. Therefore, it has been classified as a Variant of Uncertain Significance.